The following is an entry in ClinVar:

ClinVar aggregate classification (germline): Uncertain significance (1 of 4 stars; one submission).

Submission:

CeGaT Center for Human Genetics Tuebingen
Classification: Uncertain significance. Last evaluated: 2023-10-01. Review status: criteria provided, single submitter. Criteria: CeGaT Center For Human Genetics Tuebingen Variant Classification Criteria Version 2. Collection method: clinical testing. Allele origin: germline. Affected: yes. Observed: 1 variant allele.
Comment: HABP2: PM2, BP4

NM_004132.5(HABP2):c.275G>C (p.Gly92Ala)

Gene: HABP2 (hyaluronan binding protein 2; plus strand). Cytogenetic location: 10q25.3.
Variant type: single nucleotide variant.
Coding change: c.275G>C on transcript NM_004132.5 (MANE Select); coding-DNA position 275, G replaced by C.
Protein change: p.Gly92Ala; replaces glycine 92 with alanine.
Molecular consequence: missense variant.
Genome position (GRCh38, 1-based): chr10:113,575,948, G>C. VCF-style: chr10-113575948-G-C. GRCh37 (hg19) VCF-style: chr10-115335707-G-C.
Other names: c.197G>C, p.Gly66Ala (NM_001177660.3); short protein forms G66A, G92A.
Identifiers: ClinVar variation 2640846 (VCV002640846.24), dbSNP rs1845401249, ClinGen allele CA378414818.
Genomic context (GRCh38, chr10:113,575,948, plus strand): 5'-GTGTCTTAGATCCATGCCAGCCCAACCCCTGTGAACACGGTGGGGACTGCCTCGTCCATG[G>C]GAGCACCTTCACATGCAGCTGCCTGGCTCCTTTCTCTGGGAATAAGTGTCAGAAAGGTGA-3'
Protein context (NP_004123.1, residues 82-102): CEHGGDCLVH[Gly92Ala]STFTCSCLAP